The following is an entry in ClinVar:

NM_000642.3(AGL):c.3458del (p.Ala1153fs)

Gene: AGL (amylo-alpha-1,6-glucosidase and 4-alpha-glucanotransferase; plus strand). Cytogenetic location: 1p21.2.
Variant type: Deletion.
Coding change: c.3458del on transcript NM_000642.3 (MANE Select); coding-DNA position 3458, one base deleted (C; older notation c.3458delC).
Protein change: p.Ala1153fs; shifts the reading frame from alanine 1153.
Molecular consequence: frameshift variant.
Genome position (GRCh38, 1-based): chr1:99,900,731, C deleted. VCF-style (leftmost placement, unchanged base first): chr1-99900730-GC-G. GRCh37 (hg19) VCF-style: chr1-100366286-GC-G.
Other names: c.3458delC, p.Ala1153Valfs (NM_000028.3, NM_000643.3, NM_000644.3 and 1 more transcripts); c.3410delC, p.Ala1137Valfs (NM_000646.3); c.3437delC, p.Ala1146Valfs (NM_001425326.1); c.3257delC, p.Ala1086Valfs (NM_001425327.1); c.3254delC, p.Ala1085Valfs (NM_001425328.1); c.3119delC, p.Ala1040Valfs (NM_001425329.1); c.3080delC, p.Ala1027Valfs (NM_001425332.1); short protein forms A1153fs, A1137fs.
Identifiers: ClinVar variation 1457486 (VCV001457486.6), dbSNP rs2100818312, ClinGen allele CA2573132749.

ClinVar aggregate classification (germline): Pathogenic (1 of 4 stars; one submission).

Conditions:
Glycogen storage disease type III (GSD3). Also called: FORBES DISEASE; Cori disease. Identifiers: Orphanet 366, MedGen C0017922, MONDO:0009291, OMIM 232400.

Submission:

Labcorp Genetics (formerly Invitae), Labcorp
Classification: Pathogenic for Glycogen storage disease type III. Last evaluated: 2022-11-28. Review status: criteria provided, single submitter. Criteria: Invitae Variant Classification Sherloc (09022015). Collection method: clinical testing. Allele origin: germline.
Comment: This sequence change creates a premature translational stop signal (p.Ala1153Valfs*20) in the AGL gene. It is expected to result in an absent or disrupted protein product. Loss-of-function variants in AGL are known to be pathogenic (PMID: 19299494). This variant is not present in population databases (gnomAD no frequency). For these reasons, this variant has been classified as Pathogenic. ClinVar contains an entry for this variant (Variation ID: 1457486). This variant has not been reported in the literature in individuals affected with AGL-related conditions.

Literature cited by the submitters: PubMed 19299494.